The following is an entry in ClinVar:

ClinVar aggregate classification (germline): Pathogenic (1 of 4 stars; one submission).

Conditions:
Familial hypobetalipoproteinemia 1. Also called: APOB-Related Familial Hypobetalipoproteinemia; Hypobetalipoproteinemia, normotriglyceridemic; Acanthocytosis with hypobetalipoproteinemia. Identifiers: MedGen C4551990, MONDO:0014252, OMIM 615558.
Hypercholesterolemia, autosomal dominant, type B (FHCL2). Also called: Familial Hypercholesterolemia Type B; APOLIPOPROTEIN B-100, FAMILIAL DEFECTIVE; APOLIPOPROTEIN B-100, FAMILIAL LIGAND-DEFECTIVE; HYPERCHOLESTEROLEMIA, FAMILIAL, DUE TO LIGAND-DEFECTIVE APOLIPOPROTEIN B; Hyperlipoproteinemia Type IIb; Familial hypercholesterolemia 2. Identifiers: MedGen C1704417, MONDO:0007751, OMIM 144010.

Submission:

Labcorp Genetics (formerly Invitae), Labcorp
Classification: Pathogenic for Familial hypobetalipoproteinemia 1; Hypercholesterolemia, autosomal dominant, type B. Last evaluated: 2024-12-15. Review status: criteria provided, single submitter. Criteria: Invitae Variant Classification Sherloc (09022015). Collection method: clinical testing. Allele origin: germline.
Comment: This sequence change creates a premature translational stop signal (p.Tyr2111*) in the APOB gene. It is expected to result in an absent or disrupted protein product. Loss-of-function variants in APOB are known to be pathogenic (PMID: 20032471). This variant is not present in population databases (gnomAD no frequency). This variant has not been reported in the literature in individuals affected with APOB-related conditions. For these reasons, this variant has been classified as Pathogenic.

Literature cited by the submitters: PubMed 20032471.

NM_000384.3(APOB):c.6333del (p.Lys2110_Tyr2111insTer)

Gene: APOB (apolipoprotein B; minus strand). Cytogenetic location: 2p24.1.
Variant type: Deletion.
Coding change: c.6333del on transcript NM_000384.3 (MANE Select); coding-DNA position 6333, one base deleted (C; older notation c.6333delC).
Protein change: p.Lys2110_Tyr2111insTer.
Molecular consequence: nonsense.
Genome position (GRCh38, 1-based): chr2:21,010,535, G deleted on the plus strand (C on the coding strand, the reverse complement: APOB is on the minus strand). VCF-style (leftmost placement, unchanged base first): chr2-21010534-TG-T. GRCh37 (hg19) VCF-style: chr2-21233406-TG-T.
Identifiers: ClinVar variation 3760061 (VCV003760061.2).